The following is an entry in ClinVar:

ClinVar aggregate classification (germline): Likely benign. Review status: criteria provided, multiple submitters, no conflicts (2 of 4 stars). 2 submissions from 2 submitters: Likely benign (2). Last evaluated 2024-02-17.

Allele frequency attached by ClinVar (database versions not stated): gnomAD exomes below 0.00001.

Submissions (2):

Labcorp Genetics (formerly Invitae), Labcorp
Classification: Likely benign. Last evaluated: 2024-02-17. Review status: criteria provided, single submitter. Criteria: Invitae Variant Classification Sherloc (09022015). Collection method: clinical testing. Allele origin: germline.

Laboratory for Molecular Medicine, Mass General Brigham Personalized Medicine
Classification: Likely benign. Last evaluated: 2016-04-18. Review status: criteria provided, single submitter. Criteria: LMM Criteria. Collection method: clinical testing. Allele origin: germline. Observed: 1 variant allele.
Comment: p.Asn210Asn in exon 7 of RDX: This variant is not expected to have clinical sign ificance because it does not alter an amino acid residue, is not located within the splice consensus sequence.

NM_002906.4(RDX):c.630T>C (p.Asn210=)

Gene: RDX (radixin; minus strand). Cytogenetic location: 11q22.3.
Variant type: single nucleotide variant.
Coding change: c.630T>C on transcript NM_002906.4 (MANE Select); coding-DNA position 630, T replaced by C.
Protein change: p.Asn210=; no amino-acid change (asparagine 210 retained).
Molecular consequence: synonymous variant. On other transcripts: intron variant (2).
Genome position (GRCh38, 1-based): chr11:110,257,835, A>G on the plus strand (T>C on the coding strand, the complement: RDX is on the minus strand). VCF-style: chr11-110257835-A-G. GRCh37 (hg19) VCF-style: chr11-110128560-A-G.
Other names: c.630T>C, p.Asn210= (NM_001260492.2, NM_001260493.2); c.222T>C, p.Asn74= (NM_001260494.2); c.-82-10002T>C (NM_001260495.2); c.404+322T>C (NM_001260496.2).
Identifiers: ClinVar variation 504966 (VCV000504966.7), dbSNP rs1555042471, ClinGen allele CA476927400.